The following is an entry in ClinVar:

ClinVar aggregate classification (germline): Uncertain significance (1 of 4 stars; one submission).

Conditions:
Cardiovascular phenotype. Identifiers: MedGen CN230736.

Allele frequency attached by ClinVar (database versions not stated): ExAC 0.00001; TOPMed 0.00001.
gnomAD v4.1: 4 of 1,613,274 alleles (0.00025%); no homozygotes.

Submission:

Ambry Genetics
Classification: Uncertain significance for Cardiovascular phenotype. Last evaluated: 2020-03-17. Review status: criteria provided, single submitter. Criteria: Ambry Variant Classification Scheme 2023. Collection method: clinical testing. Allele origin: germline.
Comment: The p.D12508H variant (also known as c.37522G>C), located in coding exon 137 of the TTN gene, results from a G to C substitution at nucleotide position 37522. The aspartic acid at codon 12508 is replaced by histidine, an amino acid with similar properties. This amino acid position is highly conserved in available vertebrate species. In addition, this alteration is predicted to be tolerated by in silico analysis. Since supporting evidence is limited at this time, the clinical significance of this alteration remains unclear.

NM_001267550.2(TTN):c.64717G>C (p.Asp21573His)

Genes: TTN (titin; minus strand), TTN-AS1 (TTN antisense RNA 1; plus strand). Cytogenetic location: 2q31.2.
Variant type: single nucleotide variant.
Coding change: c.64717G>C on transcript NM_001267550.2 (MANE Select); coding-DNA position 64717, G replaced by C.
Protein change: p.Asp21573His; replaces aspartic acid 21573 with histidine.
Molecular consequence: missense variant. On other transcripts: non-coding transcript variant (1).
Genome position (GRCh38, 1-based): chr2:178,584,924, C>G on the plus strand (G>C on the coding strand, the complement: TTN is on the minus strand). VCF-style: chr2-178584924-C-G. GRCh37 (hg19) VCF-style: chr2-179449651-C-G.
Other names: c.59794G>C, p.Asp19932His (NM_001256850.1); c.37522G>C, p.Asp12508His (NM_003319.4); c.57013G>C, p.Asp19005His (NM_133378.4); c.37897G>C, p.Asp12633His (NM_133432.3); c.38098G>C, p.Asp12700His (NM_133437.4); short protein forms D19932H, D21573H, D12508H, D12633H, D19005H, D12700H.
Identifiers: ClinVar variation 1734571 (VCV001734571.2), dbSNP rs760347376, ClinGen allele CA1991850.